The following is an entry in ClinVar:

ClinVar aggregate classification (germline): Likely pathogenic (1 of 4 stars; one submission).

Conditions:
KBG syndrome (KBGS). Also called: ANKRD11-Related KBG Syndrome. Identifiers: Orphanet 2332, MedGen C0220687, MONDO:0007846, OMIM 148050.

Submission:

MGZ Medical Genetics Center
Classification: Likely pathogenic for KBG syndrome. Last evaluated: 2022-08-08. Review status: criteria provided, single submitter. Criteria: ACMG Guidelines, 2015. Collection method: clinical testing. Allele origin: germline. Affected: yes. Observed: 1 variant allele.
Comment: ACMG criteria applied: PVS1, PM2_SUP

NM_013275.6(ANKRD11):c.2063dup (p.His689fs)

Gene: ANKRD11 (ankyrin repeat domain 11; minus strand). Cytogenetic location: 16q24.3.
Variant type: Duplication.
Coding change: c.2063dup on transcript NM_013275.6 (MANE Select); coding-DNA position 2063, one base duplicated (A; older notation c.2063dupA).
Protein change: p.His689fs; shifts the reading frame from histidine 689.
Molecular consequence: frameshift variant.
Genome position (GRCh38, 1-based): chr16:89,284,479, T duplicated on the plus strand (A on the coding strand, the reverse complement: ANKRD11 is on the minus strand); the first of 3 consecutive T bases (chr16:89,284,479-89,284,481); duplicating any one gives the same sequence. VCF-style (leftmost placement, unchanged base first): chr16-89284478-C-CT. GRCh37 (hg19) VCF-style: chr16-89350886-C-CT.
Other names: c.2063dup, p.His689fs (NM_001256182.2, NM_001256183.2); short protein forms H689fs.
Identifiers: ClinVar variation 1709653 (VCV001709653.2), dbSNP rs2544242682, ClinGen allele CA2580092313.
Genomic context (GRCh38, chr16:89,284,478, plus strand): 5'-TTTTTCTTCTAATTTCATTTTGCTAAGTTTCTCTTCTTTTTTAAAGTGGTCGCGATCGTG[C>CT]TTTAACACTTTTAGCTTGTTTTCAGTGGAAAGATCATTCTCTAACAGTATAGCCTTATCT-3'